The following is an entry in ClinVar:

NM_001038.6(SCNN1A):c.1629+3A>G

Gene: SCNN1A (sodium channel epithelial 1 subunit alpha; minus strand). Cytogenetic location: 12p13.31.
Variant type: single nucleotide variant.
Coding change: c.1629+3A>G on transcript NM_001038.6 (MANE Select); 3 bases into the intron after coding-DNA position 1629, A replaced by G.
Molecular consequence: intron variant.
Genome position (GRCh38, 1-based): chr12:6,348,724, T>C on the plus strand (A>G on the coding strand, the complement: SCNN1A is on the minus strand). VCF-style: chr12-6348724-T-C. GRCh37 (hg19) VCF-style: chr12-6457890-T-C.
Other names: c.1698+3A>G (NM_001159575.2); c.1806+3A>G (NM_001159576.2).
Identifiers: ClinVar variation 1930324 (VCV001930324.5), dbSNP rs1174675016, ClinGen allele CA603110995.

ClinVar aggregate classification (germline): Uncertain significance (1 of 4 stars; one submission).

Allele frequency attached by ClinVar (database versions not stated): gnomAD exomes below 0.00001.
gnomAD v4.1: 3 of 1,612,382 alleles (0.00019%); highest among the groups gnomAD compares: Admixed American, 0.0033%; no homozygotes.

Submission:

Labcorp Genetics (formerly Invitae), Labcorp
Classification: Uncertain significance. Last evaluated: 2022-06-22. Review status: criteria provided, single submitter. Criteria: Invitae Variant Classification Sherloc (09022015). Collection method: clinical testing. Allele origin: germline.
Comment: In summary, the available evidence is currently insufficient to determine the role of this variant in disease. Therefore, it has been classified as a Variant of Uncertain Significance. Variants that disrupt the consensus splice site are a relatively common cause of aberrant splicing (PMID: 17576681, 9536098). Algorithms developed to predict the effect of sequence changes on RNA splicing suggest that this variant is not likely to affect RNA splicing. This variant has not been reported in the literature in individuals affected with SCNN1A-related conditions. This variant is present in population databases (no rsID available, gnomAD 0.006%). This sequence change falls in intron 12 of the SCNN1A gene. It does not directly change the encoded amino acid sequence of the SCNN1A protein. It affects a nucleotide within the consensus splice site.

Literature cited by the submitters: PubMed 17576681; PubMed 9536098.